The following is an entry in ClinVar:

ClinVar aggregate classification (germline): Pathogenic (1 of 4 stars; one submission).

Conditions:
Hereditary cancer-predisposing syndrome. Also called: Neoplastic Syndromes, Hereditary; Tumor predisposition; Hereditary Cancer Syndrome; Hereditary neoplastic syndrome. Identifiers: Orphanet 140162, MedGen C0027672, MeSH D009386, MONDO:0015356.

Submission:

Ambry Genetics
Classification: Pathogenic for Hereditary cancer-predisposing syndrome. Last evaluated: 2020-01-23. Review status: criteria provided, single submitter. Criteria: Ambry Variant Classification Scheme 2023. Collection method: clinical testing. Allele origin: germline.
Comment: The p.S270* pathogenic mutation (also known as c.809C>A), located in coding exon 8 of the PMS2 gene, results from a C to A substitution at nucleotide position 809. This changes the amino acid from a serine to a stop codon within coding exon 8. This alteration is expected to result in loss of function by premature protein truncation or nonsense-mediated mRNA decay. As such, this alteration is interpreted as a disease-causing mutation.

NM_000535.7(PMS2):c.809C>A (p.Ser270Ter)

Gene: PMS2 (PMS1 homolog 2, mismatch repair system component; minus strand). Cytogenetic location: 7p22.1.
Variant type: single nucleotide variant.
Coding change: c.809C>A on transcript NM_000535.7 (MANE Select); coding-DNA position 809, C replaced by A.
Protein change: p.Ser270Ter; replaces serine 270 with a stop codon.
Molecular consequence: nonsense. On other transcripts: 5 prime UTR variant (2), non-coding transcript variant (1).
Genome position (GRCh38, 1-based): chr7:5,995,628, G>T on the plus strand (C>A on the coding strand, the complement: PMS2 is on the minus strand). VCF-style: chr7-5995628-G-T. GRCh37 (hg19) VCF-style: chr7-6035259-G-T.
Other names: c.404C>A, p.Ser135Ter (NM_001018040.1, NM_001322003.2, NM_001322004.2 and 20 more transcripts); c.809C>A, p.Ser270Ter (NM_001322006.2, NM_001322014.2, NM_001406870.1 and 2 more transcripts); c.491C>A, p.Ser164Ter (NM_001322007.2, NM_001322008.2, NM_001406876.1 and 4 more transcripts); c.-125C>A (NM_001322011.2, NM_001322012.2); c.236C>A, p.Ser79Ter (NM_001322013.2, NM_001406909.1); c.500C>A, p.Ser167Ter (NM_001322015.2, NM_001406875.1, NM_001406877.1 and 6 more transcripts); c.995C>A, p.Ser332Ter (NM_001406866.1); c.833C>A, p.Ser278Ter (NM_001406868.1); and 4 more; short protein forms S164*, S99*, S135*, S234*, S278*, S214*, S270*, S158*.
Identifiers: ClinVar variation 1761978 (VCV001761978.2), dbSNP rs786201047, ClinGen allele CA366743574.